The following is an entry in ClinVar:

NM_001161352.2(KCNMA1):c.697-6C>T

Gene: KCNMA1 (potassium calcium-activated channel subfamily M alpha 1; minus strand). Cytogenetic location: 10q22.3.
Variant type: single nucleotide variant.
Coding change: c.697-6C>T on transcript NM_001161352.2 (MANE Select); 6 bases into the intron before coding-DNA position 697, C replaced by T.
Molecular consequence: intron variant.
Genome position (GRCh38, 1-based): chr10:77,183,538, G>A on the plus strand (C>T on the coding strand, the complement: KCNMA1 is on the minus strand). VCF-style: chr10-77183538-G-A. GRCh37 (hg19) VCF-style: chr10-78943296-G-A.
Other names: p.?; c.535-6C>T (NM_001271518.2); c.697-6C>T (NM_001322832.2, NM_001322829.2, NM_001014797.3 and 7 more transcripts); c.157-6C>T (NM_001322838.2).
Identifiers: ClinVar variation 1559962 (VCV001559962.9), dbSNP rs2098819163, ClinGen allele CA1921266120.

ClinVar aggregate classification (germline): Likely benign. Review status: criteria provided, multiple submitters, no conflicts (2 of 4 stars). 2 submissions from 2 submitters: Likely benign (2). Last evaluated 2025-03-05.

Conditions:
Generalized epilepsy-paroxysmal dyskinesia syndrome (PNKD3). Also called: Generalized epilepsy and paroxysmal dyskinesia; Paroxysmal nonkinesigenic dyskinesia, 3, with or without generalized epilepsy. Identifiers: Orphanet 79137, MedGen C5574945, MONDO:0012276, OMIM 609446.

Allele frequency attached by ClinVar (database versions not stated): gnomAD exomes below 0.00001; TOPMed 0.00001.
gnomAD v4.1: 1 of 1,585,888 alleles (0.000063%); highest among the groups gnomAD compares: Non-Finnish European, 0.000087%; no homozygotes.

Submissions (2):

Mayo Clinic Laboratories, Mayo Clinic
Classification: Likely benign. Last evaluated: 2025-03-05. Review status: criteria provided, single submitter. Criteria: ACMG Guidelines, 2015. Collection method: clinical testing. Allele origin: germline. Observed: 1 variant allele.
Comment: BP4, BP7

Labcorp Genetics (formerly Invitae), Labcorp
Classification: Likely benign for Generalized epilepsy-paroxysmal dyskinesia syndrome. Last evaluated: 2024-05-08. Review status: criteria provided, single submitter. Criteria: Invitae Variant Classification Sherloc (09022015). Collection method: clinical testing. Allele origin: germline.